The following is an entry in ClinVar:

NM_001165963.4(SCN1A):c.2177-1G>T

Gene: SCN1A (sodium voltage-gated channel alpha subunit 1; minus strand). Cytogenetic location: 2q24.3.
Variant type: single nucleotide variant.
Coding change: c.2177-1G>T on transcript NM_001165963.4 (MANE Select); the canonical splice acceptor site of the intron before coding-DNA position 2177, G replaced by T.
Molecular consequence: splice acceptor variant.
Genome position (GRCh38, 1-based): chr2:166,041,470, C>A on the plus strand (G>T on the coding strand, the complement: SCN1A is on the minus strand). VCF-style: chr2-166041470-C-A. GRCh37 (hg19) VCF-style: chr2-166897980-C-A.
Other names: c.2144-1G>T (NM_001353949.2, NM_001353950.2, NM_001353951.2 and 2 more transcripts); c.2093-1G>T (NM_001353958.2, NM_001353957.2, NM_001165964.3); c.2177-1G>T (NM_001202435.3, NM_001353948.2); c.2141-1G>T (NM_001353955.2, NM_001353954.2); c.2090-1G>T (NM_001353960.2); c.-282-1G>T (NM_001353961.2).
Identifiers: ClinVar variation 206937 (VCV000206937.2), dbSNP rs763400390, ClinGen allele CA317787.

ClinVar aggregate classification (germline): Pathogenic (1 of 4 stars; one submission).

Submission:

GeneDx
Classification: Pathogenic. Last evaluated: 2014-09-17. Review status: criteria provided, single submitter. Criteria: GeneDx Variant Classification (06012015). Collection method: clinical testing. Allele origin: germline. Affected: yes.
Comment: c.2177-1 G>T: IVS12-1 G>T in intron 12 of the SCN1A gene (NM_001165963.1) The c.2177-1 G>T splice site mutation in the SCN1A gene destroys the canonical splice acceptor site in intron 12. It is predicted to cause abnormal gene splicing, either leading to an abnormal message that is subject to nonsense-mediated mRNA decay, or to an abnormal protein product if the message is used for protein translation. Although this mutation has not been previously reported to our knowledge, its presence is consistent with a diagnosis of a SCN1A-related disorder. The variant is found in CHILD-EPI panel(s).